The following is an entry in ClinVar:

ClinVar aggregate classification (germline): Likely pathogenic (1 of 4 stars; one submission).

Submission:

CeGaT Center for Human Genetics Tuebingen
Classification: Likely pathogenic. Last evaluated: 2025-08-01. Review status: criteria provided, single submitter. Criteria: CeGaT Center For Human Genetics Tuebingen Variant Classification Criteria Version 2. Collection method: clinical testing. Allele origin: germline. Affected: yes. Observed: 1 variant allele.
Comment: ATP2A2: PM2, PM5, PP3, PP4

NM_170665.4(ATP2A2):c.530A>G (p.Gln177Arg)

Gene: ATP2A2 (ATPase sarcoplasmic/endoplasmic reticulum Ca2+ transporting 2; plus strand). Cytogenetic location: 12q24.11.
Variant type: single nucleotide variant.
Coding change: c.530A>G on transcript NM_170665.4 (MANE Select); coding-DNA position 530, A replaced by G.
Protein change: p.Gln177Arg; replaces glutamine 177 with arginine.
Molecular consequence: missense variant.
Genome position (GRCh38, 1-based): chr12:110,323,058, A>G. VCF-style: chr12-110323058-A-G. GRCh37 (hg19) VCF-style: chr12-110760863-A-G.
Other names: c.425A>G, p.Gln142Arg (NM_001413013.1); c.530A>G, p.Gln177Arg (NM_001413014.1, NM_001681.4); c.155A>G, p.Gln52Arg (NM_001413015.1); short protein forms Q142R, Q177R, Q52R.
Identifiers: ClinVar variation 4085948 (VCV004085948.8).